The following is an entry in ClinVar:

NM_000053.4(ATP7B):c.4215C>T (p.Gly1405=)

Gene: ATP7B (ATPase copper transporting beta; minus strand). Cytogenetic location: 13q14.3.
Variant type: single nucleotide variant.
Coding change: c.4215C>T on transcript NM_000053.4 (MANE Select); coding-DNA position 4215, C replaced by T.
Protein change: p.Gly1405=; no amino-acid change (glycine 1405 retained).
Molecular consequence: synonymous variant.
Genome position (GRCh38, 1-based): chr13:51,934,939, G>A on the plus strand (C>T on the coding strand, the complement: ATP7B is on the minus strand). VCF-style: chr13-51934939-G-A. GRCh37 (hg19) VCF-style: chr13-52509075-G-A.
Other names: p.Gly1405=; c.3594C>T, p.Gly1198= (NM_001005918.3); c.3882C>T, p.Gly1294= (NM_001243182.2); c.3981C>T, p.Gly1327= (NM_001330578.2); c.3963C>T, p.Gly1321= (NM_001330579.2).
Identifiers: ClinVar variation 654242 (VCV000654242.14), dbSNP rs767721448, ClinGen allele CA6988454.

ClinVar aggregate classification (germline): Conflicting classifications of pathogenicity. Review status: criteria provided, conflicting classifications (1 of 4 stars). 7 submissions from 7 submitters: Uncertain significance (1); Likely benign (5). 1 of the submissions does not count toward it. Last evaluated 2026-02-02.

Conditions:
Wilson disease (WND). Also called: Wilson's disease. Identifiers: Orphanet 905, MedGen C0019202, MONDO:0010200, OMIM 277900. Disease mechanism: loss of function.

Allele frequency attached by ClinVar (database versions not stated): gnomAD exomes 0.00006 and 0.00004; ExAC 0.00003; TOPMed 0.00003; gnomAD 0.00004.
gnomAD v4.1: 99 of 1,613,958 alleles (0.0061%); highest among the groups gnomAD compares: Middle Eastern, 0.017%; no homozygotes.

Submissions (7):

Labcorp Genetics (formerly Invitae), Labcorp
Classification: Likely benign for Wilson disease. Last evaluated: 2026-02-02. Review status: criteria provided, single submitter. Criteria: Invitae Variant Classification Sherloc (09022015). Collection method: clinical testing. Allele origin: germline.

Mayo Clinic Laboratories, Mayo Clinic
Classification: Likely benign. Last evaluated: 2024-11-13. Review status: criteria provided, single submitter. Criteria: ACMG Guidelines, 2015. Collection method: clinical testing. Allele origin: germline. Observed: 1 variant allele.
Comment: BP4, BP7

All of Us Research Program, National Institutes of Health
Classification: Likely benign for Wilson disease. Last evaluated: 2024-02-05. Review status: criteria provided, single submitter. Criteria: ACMG Guidelines, 2015. Collection method: clinical testing. Allele origin: germline. Inheritance: Autosomal recessive inheritance. Observed: 7 variant alleles, 7 heterozygotes.
Comment: This synonymous variant in the ATP7B gene is predicted to affect RNA splicing. To our knowledge, functional studies have not been reported for this variant. This variant has not been reported in individuals affected with ATP7B-related disorders in the literature. This variant has been identified in 11/279366 chromosomes in the general population by the Genome Aggregation Database (gnomAD). The available evidence is insufficient to determine the role of this variant in disease conclusively. Therefore, this variant is classified as a Variant of Uncertain Significance.

This study involves interpretation of variants in research participants for the purpose of population health screening. Participant phenotype was not available at the time of variant classification. Additional details can be found in publication PMID: 35346344, PMCID: PMC8962531

Color Diagnostics, LLC DBA Color Health
Classification: Likely benign for Wilson disease. Last evaluated: 2023-12-04. Review status: criteria provided, single submitter. Criteria: ACMG Guidelines, 2015. Collection method: clinical testing. Allele origin: germline.

GeneDx
Classification: Likely benign. Last evaluated: 2021-04-08. Review status: criteria provided, single submitter. Criteria: GeneDx Variant Classification Process June 2021. Collection method: clinical testing. Allele origin: germline. Affected: yes.

Illumina Laboratory Services, Illumina
Classification: Uncertain significance for Wilson disease. Last evaluated: 2018-01-13. Review status: criteria provided, single submitter. Criteria: ICSL Variant Classification Criteria 13 December 2019. Collection method: clinical testing. Allele origin: germline.

Natera, Inc.
Classification: Uncertain significance for Wilson disease. Last evaluated: 2020-01-24. Review status: no assertion criteria provided. Collection method: clinical testing. Allele origin: germline. Not counted in ClinVar's aggregate classification.